The following is an entry in ClinVar:

ClinVar aggregate classification (germline): Uncertain significance (1 of 4 stars; one submission).

Submission:

GeneDx
Classification: Uncertain significance. Last evaluated: 2026-03-06. Review status: criteria provided, single submitter. Criteria: GeneDx Variant Classification Process June 2021. Collection method: clinical testing. Allele origin: germline.
Comment: Not observed at significant frequency in large population cohorts (gnomAD); In silico analysis suggests that this missense variant does not alter protein structure/function; Has not been previously published as pathogenic or benign to our knowledge

NM_000552.5(VWF):c.1860G>T (p.Glu620Asp)

Gene: VWF (von Willebrand factor; minus strand). Cytogenetic location: 12p13.31.
Variant type: single nucleotide variant.
Coding change: c.1860G>T on transcript NM_000552.5 (MANE Select); coding-DNA position 1860, G replaced by T.
Protein change: p.Glu620Asp; replaces glutamic acid 620 with aspartic acid.
Molecular consequence: missense variant.
Genome position (GRCh38, 1-based): chr12:6,056,942, C>A on the plus strand (G>T on the coding strand, the complement: VWF is on the minus strand). VCF-style: chr12-6056942-C-A. GRCh37 (hg19) VCF-style: chr12-6166108-C-A.
Other names: short protein forms E620D.
Identifiers: ClinVar variation 5009689 (VCV005009689.1).
Genomic context (GRCh38, chr12:6,056,942, plus strand): 5'-GACGCGCACGCCTCTCCCCGCGCAGGCCGCGGCATAGCTGGCCAGGGCGCCGCACAGGCA[C>A]TCGCGGCCGTCCGAGCAGGAGCACACGTCGTAGCGGCAGTTCCGCAGGTAGGGCAGCGGG-3'
Protein context (NP_000543.3, residues 610-630): YDVCSCSDGR[Glu620Asp]CLCGALASYA